The following is an entry in ClinVar:

ClinVar aggregate classification (germline): Uncertain significance (1 of 4 stars; one submission).

gnomAD v4.1: 107 of 1,613,076 alleles (0.0066%); highest among the groups gnomAD compares: East Asian, 0.12%; no homozygotes.

Submission:

Labcorp Genetics (formerly Invitae), Labcorp
Classification: Uncertain significance. Last evaluated: 2026-01-02. Review status: criteria provided, single submitter. Criteria: Invitae Variant Classification Sherloc (09022015). Collection method: clinical testing. Allele origin: germline.
Comment: This sequence change replaces alanine, which is neutral and non-polar, with threonine, which is neutral and polar, at codon 444 of the TOP1MT protein (p.Ala444Thr). This variant also falls at the last nucleotide of exon 10, which is part of the consensus splice site for this exon. This variant is present in population databases (rs200729884, gnomAD 0.1%), and has an allele count higher than expected for a pathogenic variant. This variant has not been reported in the literature in individuals affected with TOP1MT-related conditions. An algorithm developed to predict the effect of missense changes on protein structure and function (PolyPhen-2) suggests that this variant is likely to be tolerated. Variants that disrupt the consensus splice site are a relatively common cause of aberrant splicing (PMID: 17576681, 9536098). Algorithms developed to predict the effect of sequence changes on RNA splicing suggest that this variant may disrupt the consensus splice site. In summary, the available evidence is currently insufficient to determine the role of this variant in disease. Therefore, it has been classified as a Variant of Uncertain Significance.

Literature cited by the submitters: PubMed 17576681; PubMed 9536098.

NM_052963.3(TOP1MT):c.1330G>A (p.Ala444Thr)

Gene: TOP1MT (DNA topoisomerase I mitochondrial; minus strand). Cytogenetic location: 8q24.3.
Variant type: single nucleotide variant.
Coding change: c.1330G>A on transcript NM_052963.3 (MANE Select); coding-DNA position 1330, G replaced by A.
Protein change: p.Ala444Thr; replaces alanine 444 with threonine.
Molecular consequence: missense variant.
Genome position (GRCh38, 1-based): chr8:143,317,723, C>T on the plus strand (G>A on the coding strand, the complement: TOP1MT is on the minus strand). VCF-style: chr8-143317723-C-T. GRCh37 (hg19) VCF-style: chr8-144399893-C-T.
Other names: c.1036G>A, p.Ala346Thr (NM_001258446.1, NM_001258447.1); short protein forms A346T, A444T.
Identifiers: ClinVar variation 4803687 (VCV004803687.1).